The following is an entry in ClinVar:

ClinVar aggregate classification (germline): Conflicting classifications of pathogenicity. Review status: criteria provided, conflicting classifications (1 of 4 stars). 4 submissions from 4 submitters: Uncertain significance (2); Likely benign (1). 1 of the submissions does not count toward it. Last evaluated 2024-11-19.

Conditions:
ERCC2-related disorder. Also called: ERCC2-related conditions; ERCC2-related condition; ERCC2-related disorders. Identifiers: MedGen CN239291.

Allele frequency attached by ClinVar (database versions not stated): gnomAD 0.00006 and 0.00007.

Submissions (4):

Labcorp Genetics (formerly Invitae), Labcorp
Classification: Uncertain significance. Last evaluated: 2024-11-19. Review status: criteria provided, single submitter. Criteria: Invitae Variant Classification Sherloc (09022015). Collection method: clinical testing. Allele origin: germline.
Comment: This sequence change falls in intron 1 of the ERCC2 gene. It does not directly change the encoded amino acid sequence of the ERCC2 protein. It affects a nucleotide within the consensus splice site. This variant is present in population databases (rs751637822, gnomAD 0.01%). This variant has not been reported in the literature in individuals affected with ERCC2-related conditions. ClinVar contains an entry for this variant (Variation ID: 1319430). Variants that disrupt the consensus splice site are a relatively common cause of aberrant splicing (PMID: 17576681, 9536098). Algorithms developed to predict the effect of sequence changes on RNA splicing suggest that this variant is not likely to affect RNA splicing. In summary, the available evidence is currently insufficient to determine the role of this variant in disease. Therefore, it has been classified as a Variant of Uncertain Significance.

Blueprint Genetics
Classification: Likely benign. Last evaluated: 2024-01-17. Review status: criteria provided, single submitter. Criteria: ACMG Guidelines, 2015. Collection method: clinical testing. Allele origin: germline.

Institute for Clinical Genetics, University Hospital TU Dresden, University Hospital TU Dresden
Classification: Uncertain significance. Last evaluated: 2021-11-03. Review status: criteria provided, single submitter. Criteria: ACMG Guidelines, 2015. Collection method: clinical testing. Allele origin: germline.

PreventionGenetics, part of Exact Sciences
Classification: Likely benign for ERCC2-related condition. Last evaluated: 2020-03-03. Review status: no assertion criteria provided. Collection method: clinical testing. Allele origin: germline. Not counted in ClinVar's aggregate classification.
Comment: This variant is classified as likely benign based on ACMG/AMP sequence variant interpretation guidelines (Richards et al. 2015 PMID: 25741868, with internal and published modifications).

Literature cited by the submitters: PubMed 17576681 (cited by Labcorp Genetics (formerly Invitae), Labcorp); PubMed 9536098 (cited by Labcorp Genetics (formerly Invitae), Labcorp).

NM_000400.4(ERCC2):c.5+6A>G

Gene: ERCC2 (ERCC excision repair 2, TFIIH core complex helicase subunit; minus strand). Cytogenetic location: 19q13.32.
Variant type: single nucleotide variant.
Coding change: c.5+6A>G on transcript NM_000400.4 (MANE Select); 6 bases into the intron after coding-DNA position 5, A replaced by G.
Molecular consequence: intron variant. On other transcripts: 5 prime UTR variant (1).
Genome position (GRCh38, 1-based): chr19:45,370,530, T>C on the plus strand (A>G on the coding strand, the complement: ERCC2 is on the minus strand). VCF-style: chr19-45370530-T-C. GRCh37 (hg19) VCF-style: chr19-45873788-T-C.
Other names: c.-365A>G (NM_001130867.2).
Identifiers: ClinVar variation 1319430 (VCV001319430.9), dbSNP rs751637822, ClinGen allele CA9513991.